The following is an entry in ClinVar:

NM_003680.4(YARS1):c.619C>T (p.Arg207Trp)

Gene: YARS1 (tyrosyl-tRNA synthetase 1; minus strand). Cytogenetic location: 1p35.1.
Variant type: single nucleotide variant.
Coding change: c.619C>T on transcript NM_003680.4 (MANE Select); coding-DNA position 619, C replaced by T.
Protein change: p.Arg207Trp; replaces arginine 207 with tryptophan.
Molecular consequence: missense variant.
Genome position (GRCh38, 1-based): chr1:32,791,227, G>A on the plus strand (C>T on the coding strand, the complement: YARS1 is on the minus strand). VCF-style: chr1-32791227-G-A. GRCh37 (hg19) VCF-style: chr1-33256828-G-A.
Other names: short protein forms R207W.
Identifiers: ClinVar variation 952859 (VCV000952859.10), dbSNP rs1653403342, ClinGen allele CA339686418.
Genomic context (GRCh38, chr1:32,791,227, plus strand): 5'-CTGAAGAGCTCATTTTGCTGCCTGTTAATCCTGGAACCATAGGATTCATCAGATGGACCC[G>A]TTTTGAATAGCCAAGTGCAGGGAGGTACTGAGAGATTAGAGAAACACACAAAAGCCGATA-3'
Protein context (NP_003671.1, residues 197-217): KYLPALGYSK[Arg207Trp]VHLMNPMVPG

ClinVar aggregate classification (germline): Uncertain significance. Review status: criteria provided, multiple submitters, no conflicts (2 of 4 stars). 2 submissions from 2 submitters: Uncertain significance (2). Last evaluated 2024-01-05.

Conditions:
Charcot-Marie-Tooth disease dominant intermediate C (CMTDIC). Also called: CHARCOT-MARIE-TOOTH NEUROPATHY, DOMINANT INTERMEDIATE C. Identifiers: Orphanet 100045, MedGen C1842237, MONDO:0012012, OMIM 608323.
Inborn genetic diseases. Identifiers: MedGen C0950123, MeSH D030342.

Allele frequency attached by ClinVar (database versions not stated): gnomAD exomes below 0.00001; gnomAD 0.00001.
gnomAD v4.1: 6 of 1,613,958 alleles (0.00037%); highest among the groups gnomAD compares: South Asian, 0.0011%; no homozygotes.

Submissions (2):

Ambry Genetics
Classification: Uncertain significance for Inborn genetic diseases. Last evaluated: 2024-01-05. Review status: criteria provided, single submitter. Criteria: Ambry Variant Classification Scheme 2023. Collection method: clinical testing. Allele origin: germline.

Labcorp Genetics (formerly Invitae), Labcorp
Classification: Uncertain significance for Charcot-Marie-Tooth disease dominant intermediate C. Last evaluated: 2022-11-28. Review status: criteria provided, single submitter. Criteria: Invitae Variant Classification Sherloc (09022015). Collection method: clinical testing. Allele origin: germline.
Comment: ClinVar contains an entry for this variant (Variation ID: 952859). This variant has not been reported in the literature in individuals affected with YARS-related conditions. This variant is not present in population databases (gnomAD no frequency). This sequence change replaces arginine, which is basic and polar, with tryptophan, which is neutral and slightly polar, at codon 207 of the YARS protein (p.Arg207Trp). Advanced modeling of protein sequence and biophysical properties (such as structural, functional, and spatial information, amino acid conservation, physicochemical variation, residue mobility, and thermodynamic stability) performed at Invitae indicates that this missense variant is expected to disrupt YARS protein function. In summary, the available evidence is currently insufficient to determine the role of this variant in disease. Therefore, it has been classified as a Variant of Uncertain Significance.